The following is an entry in ClinVar:

NC_000008.10:g.(?_56854419)_(56866563_?)dup

Gene: LYN (LYN proto-oncogene, Src family tyrosine kinase; plus strand). Cytogenetic location: 8q12.1.
Variant type: Duplication.
Identifiers: ClinVar variation 1399991 (VCV001399991.4).

ClinVar aggregate classification (germline): Uncertain significance (1 of 4 stars; one submission).

Submission:

Labcorp Genetics (formerly Invitae), Labcorp
Classification: Uncertain significance. Last evaluated: 2021-06-18. Review status: criteria provided, single submitter. Criteria: Invitae Variant Classification Sherloc (09022015). Collection method: clinical testing. Allele origin: germline.
Comment: This variant has not been reported in the literature in individuals with LYN-related conditions. In summary, the available evidence is currently insufficient to determine the role of this variant in disease. Therefore, it has been classified as a Variant of Uncertain Significance. Experimental studies and prediction algorithms are not available or were not evaluated, and the functional significance of this variant is currently unknown. This variant results in a copy number gain of the genomic region encompassing exon(s) 2-8 of the LYN gene. This region includes the initiator codon of the gene. The 5' end of this event is unknown as it extends beyond the assayed region for this gene and therefore may encompass additional genes. The 3' boundary is likely confined to intron 8 of the LYN gene. As the precise location of this event is unknown, it may be in tandem or it may be located elsewhere in the genome.